The following is an entry in ClinVar:

NM_006662.3(SRCAP):c.1239A>G (p.Glu413=)

Gene: SRCAP (Snf2 related CREBBP activator protein; plus strand). Cytogenetic location: 16p11.2.
Variant type: single nucleotide variant.
Coding change: c.1239A>G on transcript NM_006662.3 (MANE Select); coding-DNA position 1239, A replaced by G.
Protein change: p.Glu413=; no amino-acid change (glutamic acid 413 retained).
Molecular consequence: synonymous variant.
Genome position (GRCh38, 1-based): chr16:30,711,009, A>G. VCF-style: chr16-30711009-A-G. GRCh37 (hg19) VCF-style: chr16-30722330-A-G.
Identifiers: ClinVar variation 2646388 (VCV002646388.24), dbSNP rs2506625614, ClinGen allele CA494667257.
Genomic context (GRCh38, chr16:30,711,009, plus strand): 5'-TGTGCCTCTAGCCTCTATCCCTATTAATCTTGCTTCTGTCTCTTTCCTAGCGGAGGATGA[A>G]GAGGATACTATAGCAGCTGAGGAACAGTTGGAAGGGGAGGTGGATCATGCCATGGAGCTG-3'
Protein context (NP_006653.2, residues 403-423): FTANEEEAED[Glu413=]EDTIAAEEQL

ClinVar aggregate classification (germline): Likely benign (1 of 4 stars; one submission).

Submission:

CeGaT Center for Human Genetics Tuebingen
Classification: Likely benign. Last evaluated: 2023-09-01. Review status: criteria provided, single submitter. Criteria: CeGaT Center For Human Genetics Tuebingen Variant Classification Criteria Version 2. Collection method: clinical testing. Allele origin: germline. Affected: yes. Observed: 1 variant allele.
Comment: SRCAP: PM2:Supporting, BP4, BP7